The following is an entry in ClinVar:

ClinVar aggregate classification (germline): Uncertain significance. Review status: criteria provided, multiple submitters, no conflicts (2 of 4 stars). 2 submissions from 2 submitters: Uncertain significance (2). Last evaluated 2024-06-28.

Conditions:
Long QT syndrome (LQTS). Identifiers: MedGen C0023976, MeSH D008133, MONDO:0002442. Disease mechanism: loss of function. Inheritance: Various modes of inheritance.
Cardiovascular phenotype. Identifiers: MedGen CN230736.

Allele frequency attached by ClinVar (database versions not stated): gnomAD 0.00001; gnomAD exomes 0.00001; TOPMed 0.00002.
gnomAD v4.1: 10 of 1,135,698 alleles (0.00088%); highest among the groups gnomAD compares: South Asian, 0.0031%; no homozygotes.

Submissions (2):

Labcorp Genetics (formerly Invitae), Labcorp
Classification: Uncertain significance for Long QT syndrome. Last evaluated: 2024-06-28. Review status: criteria provided, single submitter. Criteria: Invitae Variant Classification Sherloc (09022015). Collection method: clinical testing. Allele origin: germline.
Comment: This sequence change replaces arginine, which is basic and polar, with tryptophan, which is neutral and slightly polar, at codon 24 of the KCNQ1 protein (p.Arg24Trp). This variant is not present in population databases (gnomAD no frequency). This variant has not been reported in the literature in individuals affected with KCNQ1-related conditions. ClinVar contains an entry for this variant (Variation ID: 946105). Advanced modeling of protein sequence and biophysical properties (such as structural, functional, and spatial information, amino acid conservation, physicochemical variation, residue mobility, and thermodynamic stability) performed at Invitae indicates that this missense variant is expected to disrupt KCNQ1 protein function with a positive predictive value of 95%. In summary, the available evidence is currently insufficient to determine the role of this variant in disease. Therefore, it has been classified as a Variant of Uncertain Significance.

Ambry Genetics
Classification: Uncertain significance for Cardiovascular phenotype. Last evaluated: 2021-09-24. Review status: criteria provided, single submitter. Criteria: Ambry Variant Classification Scheme 2023. Collection method: clinical testing. Allele origin: germline.
Comment: The p.R24W variant (also known as c.70C>T), located in coding exon 1 of the KCNQ1 gene, results from a C to T substitution at nucleotide position 70. The arginine at codon 24 is replaced by tryptophan, an amino acid with dissimilar properties. This amino acid position is well conserved in available vertebrate species. In addition, the in silico prediction for this alteration is inconclusive. Since supporting evidence is limited at this time, the clinical significance of this alteration remains unclear.

NM_000218.3(KCNQ1):c.70C>T (p.Arg24Trp)

Gene: KCNQ1 (potassium voltage-gated channel subfamily Q member 1; plus strand). Cytogenetic location: 11p15.5.
Variant type: single nucleotide variant.
Coding change: c.70C>T on transcript NM_000218.3 (MANE Select); coding-DNA position 70, C replaced by T.
Protein change: p.Arg24Trp; replaces arginine 24 with tryptophan.
Molecular consequence: missense variant.
Genome position (GRCh38, 1-based): chr11:2,445,168, C>T. VCF-style: chr11-2445168-C-T. GRCh37 (hg19) VCF-style: chr11-2466398-C-T.
Other names: short protein forms R24W.
Identifiers: ClinVar variation 946105 (VCV000946105.7), dbSNP rs990778345, ClinGen allele CA216292541.